The following is an entry in ClinVar:

GRCh38/hg38 2p16.1-15(chr2:59224998-61621710)x1

Genes: MIR4432 (microRNA 4432; minus strand), LINC01793 (long intergenic non-protein coding RNA 1793; plus strand), LINC03172 (long intergenic non-protein coding RNA 3172; minus strand), BCL11A (BCL11 transcription factor A; minus strand), C2orf74 (chromosome 2 open reading frame 74; plus strand) and 83 more. Cytogenetic location: 2p16.1-15.
Variant type: copy number loss.
Change: copy number 1 (one copy instead of two) of chr2:59,224,998-61,621,710 (2.40 Mb, GRCh38 coordinates, 1-based), cytogenetic band 2p16.1-15.
Identifiers: ClinVar variation 60178 (VCV000060178.1).

ClinVar aggregate classification (germline): Pathogenic (1 of 4 stars; one submission).

Submission:

ISCA site 15
Classification: Pathogenic. Last evaluated: 2011-08-12. Review status: criteria provided, single submitter. Criteria: Kaminsky et al. (Genet Med. 2011). Collection method: clinical testing. Allele origin: de novo. Affected: yes. Observed: 1 variant allele.
Comment: Copy number variation identified through the course of routine clinical cytogenomic testing in postnatal populations. Clinical assertions have been curated as described in Kaminsky et al. 2011.